The following is an entry in ClinVar:

ClinVar aggregate classification (germline): Uncertain significance (1 of 4 stars; one submission).

gnomAD v4.1: 3 of 1,596,284 alleles (0.00019%); highest among the groups gnomAD compares: Non-Finnish European, 0.00026%; no homozygotes.

Submission:

Labcorp Genetics (formerly Invitae), Labcorp
Classification: Uncertain significance. Last evaluated: 2022-11-01. Review status: criteria provided, single submitter. Criteria: Invitae Variant Classification Sherloc (09022015). Collection method: clinical testing. Allele origin: germline.
Comment: In summary, the available evidence is currently insufficient to determine the role of this variant in disease. Therefore, it has been classified as a Variant of Uncertain Significance. Algorithms developed to predict the effect of missense changes on protein structure and function are either unavailable or do not agree on the potential impact of this missense change (SIFT: "Deleterious"; PolyPhen-2: "Benign"; Align-GVGD: "Class C0"). ClinVar contains an entry for this variant (Variation ID: 1435981). This variant has not been reported in the literature in individuals affected with FARSB-related conditions. This variant is not present in population databases (gnomAD no frequency). This sequence change replaces aspartic acid, which is acidic and polar, with tyrosine, which is neutral and polar, at codon 9 of the FARSB protein (p.Asp9Tyr).

NM_005687.5(FARSB):c.25G>T (p.Asp9Tyr)

Gene: FARSB (phenylalanyl-tRNA synthetase subunit beta; minus strand). Cytogenetic location: 2q36.1.
Variant type: single nucleotide variant.
Coding change: c.25G>T on transcript NM_005687.5 (MANE Select); coding-DNA position 25, G replaced by T.
Protein change: p.Asp9Tyr; replaces aspartic acid 9 with tyrosine.
Molecular consequence: missense variant. On other transcripts: non-coding transcript variant (1).
Genome position (GRCh38, 1-based): chr2:222,656,049, C>A on the plus strand (G>T on the coding strand, the complement: FARSB is on the minus strand). VCF-style: chr2-222656049-C-A. GRCh37 (hg19) VCF-style: chr2-223520768-C-A.
Other names: short protein forms D9Y.
Identifiers: ClinVar variation 1435981 (VCV001435981.7), dbSNP rs770849989, ClinGen allele CA350822339.